The following is an entry in ClinVar:

ClinVar aggregate classification (germline): Uncertain significance (1 of 4 stars; one submission).

Conditions:
Acromesomelic dysplasia 3 (AMD3). Also called: CHONDRODYSPLASIA, ACROMESOMELIC, WITH OR WITHOUT GENITAL ANOMALIES; Acromesomelic dysplasia, Demirhan type. Identifiers: MedGen C4225404, MONDO:0012274, OMIM 609441.
Type A2 brachydactyly (BDA2). Also called: Brachymesophalangy type 2; BRACHYMESOPHALANGY II; MOHR-WRIEDT TYPE BRACHYDACTYLY. Identifiers: Orphanet 93396, MedGen C1832702, MONDO:0007216, OMIM 112600, HP:0009372.

gnomAD v4.1: 13 of 1,613,982 alleles (0.00081%); highest among the groups gnomAD compares: East Asian, 0.011%; 1 homozygote.

Submission:

Labcorp Genetics (formerly Invitae), Labcorp
Classification: Uncertain significance for Type A2 brachydactyly; Acromesomelic dysplasia 3. Last evaluated: 2025-02-01. Review status: criteria provided, single submitter. Criteria: Invitae Variant Classification Sherloc (09022015). Collection method: clinical testing. Allele origin: germline.
Comment: This sequence change replaces lysine, which is basic and polar, with glutamic acid, which is acidic and polar, at codon 342 of the BMPR1B protein (p.Lys342Glu). This variant is present in population databases (rs748524936, gnomAD 0.01%). This missense change has been observed in individual(s) with clinical features of BMPR1B-related conditions (PMID: 28418932). Invitae Evidence Modeling of protein sequence and biophysical properties (such as structural, functional, and spatial information, amino acid conservation, physicochemical variation, residue mobility, and thermodynamic stability) indicates that this missense variant is not expected to disrupt BMPR1B protein function with a negative predictive value of 80%. In summary, the available evidence is currently insufficient to determine the role of this variant in disease. Therefore, it has been classified as a Variant of Uncertain Significance.

Literature cited by the submitters: PubMed 28418932.

NM_001203.3(BMPR1B):c.1024A>G (p.Lys342Glu)

Gene: BMPR1B (bone morphogenetic protein receptor type 1B; plus strand). Cytogenetic location: 4q22.3.
Variant type: single nucleotide variant.
Coding change: c.1024A>G on transcript NM_001203.3 (MANE Select); coding-DNA position 1024, A replaced by G.
Protein change: p.Lys342Glu; replaces lysine 342 with glutamic acid.
Molecular consequence: missense variant.
Genome position (GRCh38, 1-based): chr4:95,131,460, A>G. VCF-style: chr4-95131460-A-G. GRCh37 (hg19) VCF-style: chr4-96052611-A-G.
Other names: c.1024A>G, p.Lys342Glu (NM_001256792.2, NM_001256794.1); c.1114A>G, p.Lys372Glu (NM_001256793.2); short protein forms K342E, K372E.
Identifiers: ClinVar variation 3760927 (VCV003760927.2).